The following is an entry in ClinVar:

NM_001100.4(ACTA1):c.981G>C (p.Met327Ile)

Gene: ACTA1 (actin alpha 1, skeletal muscle; minus strand). Cytogenetic location: 1q42.13.
Variant type: single nucleotide variant.
Coding change: c.981G>C on transcript NM_001100.4 (MANE Select); coding-DNA position 981, G replaced by C.
Protein change: p.Met327Ile; replaces methionine 327 with isoleucine.
Molecular consequence: missense variant.
Genome position (GRCh38, 1-based): chr1:229,431,730, C>G on the plus strand (G>C on the coding strand, the complement: ACTA1 is on the minus strand). VCF-style: chr1-229431730-C-G. GRCh37 (hg19) VCF-style: chr1-229567477-C-G.
Other names: short protein forms M327I.
Identifiers: ClinVar variation 464138 (VCV000464138.9), dbSNP rs1553255334, ClinGen allele CA345145281.

ClinVar aggregate classification (germline): Uncertain significance (1 of 4 stars; one submission).

Conditions:
Actin accumulation myopathy (CMYO2A). Also called: CONGENITAL MYOPATHY 2A, TYPICAL, AUTOSOMAL DOMINANT; Myopathy, actin, congenital, with cores; Nemaline myopathy 3, with intranuclear rods; Nemaline myopathy type 3; Myopathy, actin, congenital, with excess of thin myofilaments. Identifiers: Orphanet 98904, MedGen C3711389, MONDO:0008070, OMIM 161800.

Submission:

Labcorp Genetics (formerly Invitae), Labcorp
Classification: Uncertain significance for Actin accumulation myopathy. Last evaluated: 2023-12-22. Review status: criteria provided, single submitter. Criteria: Invitae Variant Classification Sherloc (09022015). Collection method: clinical testing. Allele origin: germline.
Comment: This sequence change replaces methionine, which is neutral and non-polar, with isoleucine, which is neutral and non-polar, at codon 327 of the ACTA1 protein (p.Met327Ile). This variant is not present in population databases (gnomAD no frequency). This variant has not been reported in the literature in individuals affected with ACTA1-related conditions. ClinVar contains an entry for this variant (Variation ID: 464138). Advanced modeling of protein sequence and biophysical properties (such as structural, functional, and spatial information, amino acid conservation, physicochemical variation, residue mobility, and thermodynamic stability) performed at Invitae indicates that this missense variant is not expected to disrupt ACTA1 protein function with a negative predictive value of 80%. In summary, the available evidence is currently insufficient to determine the role of this variant in disease. Therefore, it has been classified as a Variant of Uncertain Significance.